The following is an entry in ClinVar:

ClinVar aggregate classification (germline): Likely pathogenic (1 of 4 stars; one submission).

Conditions:
Dilated cardiomyopathy 1G (CMD1G). Identifiers: Orphanet 154, MedGen C1858763, MONDO:0011400, OMIM 604145.
Autosomal recessive limb-girdle muscular dystrophy type 2J (LGMDR10). Also called: Limb-girdle muscular dystrophy, type 2J; MUSCULAR DYSTROPHY, LIMB-GIRDLE, AUTOSOMAL RECESSIVE 10. Identifiers: Orphanet 140922, MedGen C1837342, MONDO:0012127, OMIM 608807.

Allele frequency attached by ClinVar (database versions not stated): TOPMed 0.00001.

Submission:

Labcorp Genetics (formerly Invitae), Labcorp
Classification: Likely pathogenic for Dilated cardiomyopathy 1G; Autosomal recessive limb-girdle muscular dystrophy type 2J. Last evaluated: 2024-04-18. Review status: criteria provided, single submitter. Criteria: Invitae Variant Classification Sherloc (09022015). Collection method: clinical testing. Allele origin: germline.
Comment: This sequence change affects an acceptor splice site in intron 203 of the TTN gene. It is expected to disrupt RNA splicing and likely results in a truncated or disrupted TTN protein. This variant is present in population databases (no rsID available, gnomAD 0.0009%). This variant has not been reported in the literature in individuals affected with TTN-related conditions. Algorithms developed to predict the effect of sequence changes on RNA splicing suggest that this variant may disrupt the consensus splice site. This variant is located in the I band of TTN (PMID: 25589632). Truncating variants in this region have been reported in individuals affected with autosomal recessive centronuclear myopathy (PMID: 23975875). Truncating variants in this region have also been identified in individuals affected with autosomal dominant dilated cardiomyopathy and/or cardio-related conditions (PMID: 27869827, 32964742). In summary, the currently available evidence indicates that the variant is pathogenic, but additional data are needed to prove that conclusively. Therefore, this variant has been classified as Likely Pathogenic.

Literature cited by the submitters: PubMed 25589632; PubMed 23975875; PubMed 27869827; PubMed 32964742.

NM_001267550.2(TTN):c.39212-1G>A

Gene: TTN (titin; minus strand). Cytogenetic location: 2q31.2.
Variant type: single nucleotide variant.
Coding change: c.39212-1G>A on transcript NM_001267550.2 (MANE Select); the canonical splice acceptor site of the intron before coding-DNA position 39212, G replaced by A.
Molecular consequence: splice acceptor variant. On other transcripts: intron variant (3).
Genome position (GRCh38, 1-based): chr2:178,652,180, C>T on the plus strand (G>A on the coding strand, the complement: TTN is on the minus strand). VCF-style: chr2-178652180-C-T. GRCh37 (hg19) VCF-style: chr2-179516907-C-T.
Other names: c.13283-9863G>A (NM_003319.4); c.13859-9863G>A (NM_133437.4); c.13658-9863G>A (NM_133432.3); c.31910-1G>A (NM_133378.4); c.34691-1G>A (NM_001256850.1).
Identifiers: ClinVar variation 2947101 (VCV002947101.3), dbSNP rs757200738, ClinGen allele CA349460102.